The following is an entry in ClinVar:

ClinVar aggregate classification (germline): Likely benign. Review status: criteria provided, multiple submitters, no conflicts (2 of 4 stars). 3 submissions from 3 submitters: Likely benign (3). Last evaluated 2025-07-21.

Conditions:
Fanconi anemia (FA). Also called: Fanconi's anemia. Identifiers: Orphanet 84, MedGen C0015625, MeSH D005199, MONDO:0019391.
Inborn genetic diseases. Identifiers: MedGen C0950123, MeSH D030342.

Submissions (3):

Labcorp Genetics (formerly Invitae), Labcorp
Classification: Likely benign for Fanconi anemia. Last evaluated: 2025-07-21. Review status: criteria provided, single submitter. Criteria: Invitae Variant Classification Sherloc (09022015). Collection method: clinical testing. Allele origin: germline.

CeGaT Center for Human Genetics Tuebingen
Classification: Likely benign. Last evaluated: 2025-06-01. Review status: criteria provided, single submitter. Criteria: CeGaT Center For Human Genetics Tuebingen Variant Classification Criteria Version 2. Collection method: clinical testing. Allele origin: germline. Affected: yes. Observed: 1 variant allele.
Comment: FANCM: BP4, BP7

Ambry Genetics
Classification: Likely benign for Inborn genetic diseases. Last evaluated: 2024-12-06. Review status: criteria provided, single submitter. Criteria: Ambry Variant Classification Scheme 2023. Collection method: clinical testing. Allele origin: germline.

NM_020937.4(FANCM):c.237G>A (p.Ala79=)

Gene: FANCM (FA complementation group M; plus strand). Cytogenetic location: 14q21.2.
Variant type: single nucleotide variant.
Coding change: c.237G>A on transcript NM_020937.4 (MANE Select); coding-DNA position 237, G replaced by A.
Protein change: p.Ala79=; no amino-acid change (alanine 79 retained).
Molecular consequence: synonymous variant.
Genome position (GRCh38, 1-based): chr14:45,136,268, G>A. VCF-style: chr14-45136268-G-A. GRCh37 (hg19) VCF-style: chr14-45605471-G-A.
Other names: c.237G>A, p.Ala79= (NM_001308133.2, NM_001308134.2).
Identifiers: ClinVar variation 3512979 (VCV003512979.10).
Genomic context (GRCh38, chr14:45,136,268, plus strand): 5'-CGCGGCGTACGAGGCTGAGCGGCAGTTGTGTCTAGAGAATGGCGGGTTCTGCACCTCCGC[G>A]GGCGCCCTGTGGATTTACCCTACCAATTGCCCAGTGCGGGACTACCAGCTGCACATTTCC-3'
Protein context (NP_065988.1, residues 69-89): CLENGGFCTS[Ala79=]GALWIYPTNC